The following is an entry in ClinVar:

ClinVar aggregate classification (germline): Conflicting classifications of pathogenicity. Review status: criteria provided, conflicting classifications (1 of 4 stars). 4 submissions from 4 submitters: Uncertain significance (2); Likely benign (2). Last evaluated 2026-07-06.

Conditions:
Hereditary cancer-predisposing syndrome. Also called: Tumor predisposition; Neoplastic Syndromes, Hereditary; Hereditary Cancer Syndrome; Hereditary neoplastic syndrome. Identifiers: Orphanet 140162, MedGen C0027672, MeSH D009386, MONDO:0015356.
Rhabdoid tumor predisposition syndrome 2 (RTPS2). Identifiers: Orphanet 231108, Orphanet 69077, MedGen C2750074, MONDO:0013224, OMIM 613325.

Submissions (4):

Myriad Genetics, Inc.
Classification: Likely benign for Rhabdoid tumor predisposition syndrome 2. Last evaluated: 2026-07-06. Review status: criteria provided, single submitter. Criteria: Myriad Autosomal Dominant, Autosomal Recessive and X-Linked Classification Criteria (2023). Collection method: clinical testing. Allele origin: unknown.
Comment: This variant is considered likely benign. This variant has been observed at a population frequency that is significantly greater than expected given the associated disease prevalence and penetrance.

Labcorp Genetics (formerly Invitae), Labcorp
Classification: Uncertain significance for Rhabdoid tumor predisposition syndrome 2. Last evaluated: 2025-12-23. Review status: criteria provided, single submitter. Criteria: Invitae Variant Classification Sherloc (09022015). Collection method: clinical testing. Allele origin: germline.
Comment: This variant, c.714_719dup, results in the insertion of 2 amino acid(s) of the SMARCA4 protein (p.Gly243_Pro244dup), but otherwise preserves the integrity of the reading frame. This variant is present in population databases (no rsID available, gnomAD 0.03%). This variant has not been reported in the literature in individuals affected with SMARCA4-related conditions. ClinVar contains an entry for this variant (Variation ID: 537765). Experimental studies and prediction algorithms are not available or were not evaluated, and the functional significance of this variant is currently unknown. In summary, the available evidence is currently insufficient to determine the role of this variant in disease. Therefore, it has been classified as a Variant of Uncertain Significance.

GeneDx
Classification: Uncertain significance. Last evaluated: 2024-08-06. Review status: criteria provided, single submitter. Criteria: GeneDx Variant Classification Process June 2021. Collection method: clinical testing. Allele origin: germline.
Comment: In silico analysis indicates that this variant does not alter splicing; Has not been previously published as pathogenic or benign to our knowledge

Ambry Genetics
Classification: Likely benign for Hereditary cancer-predisposing syndrome. Last evaluated: 2021-04-13. Review status: criteria provided, single submitter. Criteria: Ambry Variant Classification Scheme 2023. Collection method: clinical testing. Allele origin: germline.

NM_003072.5(SMARCA4):c.714_719dup (p.229GP[9])

Gene: SMARCA4 (SWI/SNF related BAF chromatin remodeling complex subunit ATPase 4; plus strand). Cytogenetic location: 19p13.2.
Variant type: Duplication.
Coding change: c.714_719dup on transcript NM_003072.5 (MANE Select); coding-DNA positions 714 to 719, 6 bases duplicated (CGGCCC; older notation c.714_719dupCGGCCC).
Protein change: p.229GP[9].
Molecular consequence: inframe insertion. On other transcripts: non-coding transcript variant (1).
Genome position (GRCh38, 1-based): chr19:10,986,547-10,986,552, CGGCCC duplicated; duplicating any 6 consecutive bases within chr19:10,986,542-10,986,552 gives the same sequence; the c. name uses the placement nearest the transcript's 3' end. VCF-style (leftmost placement, unchanged base first): chr19-10986541-T-TGGCCCC. GRCh37 (hg19) VCF-style: chr19-11097217-T-TGGCCCC.
Other names: c.714_719dup, p.229GP[9] (NM_001128844.3, NM_001128845.2, NM_001128846.2 and 5 more transcripts); c.714_719dupCGGCCC (NM_001128849.1).
Identifiers: ClinVar variation 537765 (VCV000537765.14), dbSNP rs1555753732, ClinGen allele CA632115179.